The following is an entry in ClinVar:

ClinVar aggregate classification (germline): Uncertain significance. Review status: criteria provided, multiple submitters, no conflicts (2 of 4 stars). 3 submissions from 3 submitters: Uncertain significance (2). 1 of the submissions does not count toward it. Last evaluated 2022-07-26.

Conditions:
Rubinstein-Taybi syndrome due to CREBBP mutations (RSTS1). Also called: BROAD THUMBS AND GREAT TOES, CHARACTERISTIC FACIES, AND IMPAIRED INTELLECTUAL DEVELOPMENT; BROAD THUMB-HALLUX SYNDROME; RUBINSTEIN SYNDROME; RUBINSTEIN-TAYBI SYNDROME 1, INCOMPLETE; CREBBP-Related Rubinstein-Taybi Syndrome; Rubinstein-Taybi syndrome 1. Identifiers: Orphanet 353277, Orphanet 783, MedGen C4551859, MONDO:0008393, OMIM 180849.
Menke-Hennekam syndrome 1 (MKHK1). Identifiers: MedGen C5193034, MONDO:0020763, OMIM 618332.
Rubinstein-Taybi syndrome (RSTS). Identifiers: Orphanet 783, MedGen C0035934, MONDO:0019188.

Allele frequency attached by ClinVar (database versions not stated): gnomAD exomes below 0.00001.
gnomAD v4.1: 1 of 1,614,216 alleles (0.000062%); highest among the groups gnomAD compares: Non-Finnish European, 0.000085%; no homozygotes.

Submissions (3):

Labcorp Genetics (formerly Invitae), Labcorp
Classification: Uncertain significance for Rubinstein-Taybi syndrome. Last evaluated: 2022-07-26. Review status: criteria provided, single submitter. Criteria: Invitae Variant Classification Sherloc (09022015). Collection method: clinical testing. Allele origin: germline.
Comment: This sequence change replaces threonine, which is neutral and polar, with alanine, which is neutral and non-polar, at codon 258 of the CREBBP protein (p.Thr258Ala). In summary, the available evidence is currently insufficient to determine the role of this variant in disease. Therefore, it has been classified as a Variant of Uncertain Significance. Advanced modeling of protein sequence and biophysical properties (such as structural, functional, and spatial information, amino acid conservation, physicochemical variation, residue mobility, and thermodynamic stability) performed at Invitae indicates that this missense variant is not expected to disrupt CREBBP protein function. ClinVar contains an entry for this variant (Variation ID: 694755). This missense change has been observed in individual(s) with clinical features of Rubinstein-Taybi syndrome (PMID: 32827181). This variant is not present in population databases (gnomAD no frequency).

Fulgent Genetics
Classification: Uncertain significance for Rubinstein-Taybi syndrome due to CREBBP mutations; Menke-Hennekam syndrome 1. Last evaluated: 2021-12-21. Review status: criteria provided, single submitter. Criteria: ACMG Guidelines, 2015. Collection method: clinical testing. Allele origin: unknown.

Wessex Regional Genetics Laboratory, Salisbury District Hospital
Classification: Uncertain significance for Rubinstein-Taybi syndrome due to CREBBP mutations. Last evaluated: 2019-11-05. Review status: no assertion criteria provided. Criteria: ACMG Guidelines, 2015. Collection method: clinical testing. Allele origin: unknown. Inheritance: Autosomal dominant inheritance. Affected: yes. Not counted in ClinVar's aggregate classification.

Literature cited by the submitters: PubMed 32827181 (cited by Labcorp Genetics (formerly Invitae), Labcorp).

NM_004380.3(CREBBP):c.772A>G (p.Thr258Ala)

Gene: CREBBP (CREB binding lysine acetyltransferase; minus strand). Cytogenetic location: 16p13.3.
Variant type: single nucleotide variant.
Coding change: c.772A>G on transcript NM_004380.3 (MANE Select); coding-DNA position 772, A replaced by G.
Protein change: p.Thr258Ala; replaces threonine 258 with alanine.
Molecular consequence: missense variant.
Genome position (GRCh38, 1-based): chr16:3,850,323, T>C on the plus strand (A>G on the coding strand, the complement: CREBBP is on the minus strand). VCF-style: chr16-3850323-T-C. GRCh37 (hg19) VCF-style: chr16-3900324-T-C.
Other names: c.772A>G, p.Thr258Ala (NM_001079846.1); short protein forms T258A.
Identifiers: ClinVar variation 694755 (VCV000694755.6), dbSNP rs1597053070, ClinGen allele CA394559215.